The following is an entry in ClinVar:

ClinVar aggregate classification (germline): Uncertain significance (1 of 4 stars; one submission).

Submission:

Labcorp Genetics (formerly Invitae), Labcorp
Classification: Uncertain significance. Last evaluated: 2022-01-19. Review status: criteria provided, single submitter. Criteria: Invitae Variant Classification Sherloc (09022015). Collection method: clinical testing. Allele origin: germline.
Comment: In summary, the available evidence is currently insufficient to determine the role of this variant in disease. Therefore, it has been classified as a Variant of Uncertain Significance. Algorithms developed to predict the effect of sequence changes on RNA splicing suggest that this variant may create or strengthen a splice site. Experimental studies are conflicting or provide insufficient evidence to determine the effect of this variant on ANGPT1 function (PMID: 29106382). Algorithms developed to predict the effect of variants on protein structure and function are not available or were not evaluated for this variant. This premature translational stop signal has been observed in individual(s) with primary congenital glaucoma (PMID: 29106382). This variant is not present in population databases (gnomAD no frequency). This sequence change creates a premature translational stop signal (p.Gln236*) in the ANGPT1 gene. It is expected to result in an absent or disrupted protein product. However, the current clinical and genetic evidence is not sufficient to establish whether loss-of-function variants in ANGPT1 cause disease.

Literature cited by the submitters: PubMed 29106382.

NM_001146.5(ANGPT1):c.706C>T (p.Gln236Ter)

Gene: ANGPT1 (angiopoietin 1; minus strand). Cytogenetic location: 8q23.1.
Variant type: single nucleotide variant.
Coding change: c.706C>T on transcript NM_001146.5 (MANE Select); coding-DNA position 706, C replaced by T.
Protein change: p.Gln236Ter; replaces glutamine 236 with a stop codon.
Molecular consequence: nonsense.
Genome position (GRCh38, 1-based): chr8:107,321,998, G>A on the plus strand (C>T on the coding strand, the complement: ANGPT1 is on the minus strand). VCF-style: chr8-107321998-G-A. GRCh37 (hg19) VCF-style: chr8-108334226-G-A.
Other names: c.706C>T, p.Gln236Ter (NM_001199859.3); c.106C>T, p.Gln36Ter (NM_001314051.2); short protein forms Q236*, Q36*.
Identifiers: ClinVar variation 2136692 (VCV002136692.4), dbSNP rs1161667975, ClinGen allele CA372033950.